The following is an entry in ClinVar:

ClinVar aggregate classification (germline): Conflicting classifications of pathogenicity. Review status: criteria provided, conflicting classifications (1 of 4 stars). 2 submissions from 2 submitters: Likely pathogenic (1); Uncertain significance (1). Last evaluated 2025-10-28.

Allele frequency attached by ClinVar (database versions not stated): TOPMed 0.00001; 1000 Genomes Project 0.00020; ExAC 0.00002; gnomAD 0.00003 and 0.00002; 1000 Genomes Project 30x 0.00016; gnomAD exomes 0.00001.

Submissions (2):

Mayo Clinic Laboratories, Mayo Clinic
Classification: Likely pathogenic. Last evaluated: 2025-10-28. Review status: criteria provided, single submitter. Criteria: ACMG Guidelines, 2015. Collection method: clinical testing. Allele origin: germline. Observed: 1 variant allele.
Comment: PP3_moderate, PP4, PM2_supporting, PM3

Labcorp Genetics (formerly Invitae), Labcorp
Classification: Uncertain significance. Last evaluated: 2022-09-06. Review status: criteria provided, single submitter. Criteria: Invitae Variant Classification Sherloc (09022015). Collection method: clinical testing. Allele origin: germline.
Comment: In summary, the available evidence is currently insufficient to determine the role of this variant in disease. Therefore, it has been classified as a Variant of Uncertain Significance. Algorithms developed to predict the effect of sequence changes on RNA splicing suggest that this variant may create or strengthen a splice site. Algorithms developed to predict the effect of missense changes on protein structure and function are either unavailable or do not agree on the potential impact of this missense change (SIFT: "Deleterious"; PolyPhen-2: "Probably Damaging"; Align-GVGD: "Class C0"). ClinVar contains an entry for this variant (Variation ID: 1441858). This variant has not been reported in the literature in individuals affected with TALDO1-related conditions. This variant is present in population databases (rs201855399, gnomAD 0.01%). This sequence change replaces alanine, which is neutral and non-polar, with valine, which is neutral and non-polar, at codon 181 of the TALDO1 protein (p.Ala181Val).

Literature cited by the submitters: PubMed 34677006 (cited by Mayo Clinic Laboratories, Mayo Clinic).

NM_006755.2(TALDO1):c.542C>T (p.Ala181Val)

Genes: TALDO1 (transaldolase 1; plus strand), LOC126861110 (CDK7 strongly-dependent group 2 enhancer GRCh37_chr11:762588-763787; plus strand). Cytogenetic location: 11p15.5.
Variant type: single nucleotide variant.
Coding change: c.542C>T on transcript NM_006755.2 (MANE Select); coding-DNA position 542, C replaced by T.
Protein change: p.Ala181Val; replaces alanine 181 with valine.
Molecular consequence: missense variant.
Genome position (GRCh38, 1-based): chr11:763,424, C>T. VCF-style: chr11-763424-C-T. GRCh37 (hg19) VCF-style: chr11-763424-C-T.
Other names: p.Ala181Val; short protein forms A181V.
Identifiers: ClinVar variation 1441858 (VCV001441858.9), dbSNP rs201855399, ClinGen allele CA5788206.
Genomic context (GRCh38, chr11:763,424, plus strand): 5'-GCATCCACTGCAACATGACGTTACTCTTCTCCTTCGCCCAGGCTGTGGCCTGTGCCGAGG[C>T]GGGTGTGACCCTCATCTCCCCATTTGTTGGGCGCATCCTTGATTGGCATGTGGCAAACAC-3'
Protein context (NP_006746.1, residues 171-191): SFAQAVACAE[Ala181Val]GVTLISPFVG